The following is an entry in ClinVar:

NM_016617.4(UFM1):c.59+99C>T

Gene: UFM1 (ubiquitin fold modifier 1; plus strand). Cytogenetic location: 13q13.3.
Variant type: single nucleotide variant.
Coding change: c.59+99C>T on transcript NM_016617.4 (MANE Select); 99 bases into the intron after coding-DNA position 59, C replaced by T.
Molecular consequence: intron variant. On other transcripts: missense variant (1).
Genome position (GRCh38, 1-based): chr13:38,350,154, C>T. VCF-style: chr13-38350154-C-T. GRCh37 (hg19) VCF-style: chr13-38924291-C-T.
Other names: c.40C>T, p.His14Tyr (NM_001286704.2); c.59+99C>T (NM_001286705.2, NM_001286703.2, NM_001286706.2); short protein forms H14Y.
Identifiers: ClinVar variation 3383667 (VCV003383667.1).

ClinVar aggregate classification (germline): Uncertain significance (1 of 4 stars; one submission).

Submission:

GeneDx
Classification: Uncertain significance. Last evaluated: 2024-05-28. Review status: criteria provided, single submitter. Criteria: GeneDx Variant Classification Process June 2021. Collection method: clinical testing. Allele origin: germline. Affected: yes.
Comment: Not observed at significant frequency in large population cohorts (gnomAD); In silico analysis indicates that this missense variant does not alter protein structure/function; Has not been previously published as pathogenic or benign to our knowledge